The following is an entry in ClinVar:

NM_020336.4(RALGAPB):c.826A>C (p.Asn276His)

Gene: RALGAPB (Ral GTPase activating protein non-catalytic subunit beta; plus strand). Cytogenetic location: 20q11.23.
Variant type: single nucleotide variant.
Coding change: c.826A>C on transcript NM_020336.4 (MANE Select); coding-DNA position 826, A replaced by C.
Protein change: p.Asn276His; replaces asparagine 276 with histidine.
Molecular consequence: missense variant.
Genome position (GRCh38, 1-based): chr20:38,509,162, A>C. VCF-style: chr20-38509162-A-C. GRCh37 (hg19) VCF-style: chr20-37137805-A-C.
Other names: c.826A>C, p.Asn276His (NM_001282917.2, NM_001282918.2); short protein forms N276H.
Identifiers: ClinVar variation 3048881 (VCV003048881.2), dbSNP rs202059387, ClinGen allele CA9853786.

ClinVar aggregate classification (germline): Benign (0 of 4 stars; one submission).

Conditions:
RALGAPB-related disorder. Also called: RALGAPB-related condition.

Allele frequency attached by ClinVar (database versions not stated): ESP Exome Variant Server 0.00038; gnomAD 0.00042; ExAC 0.00065.
gnomAD v4.1: 586 of 1,613,794 alleles (0.036%); highest among the groups gnomAD compares: Non-Finnish European, 0.0064%; 7 homozygotes.

Submission:

PreventionGenetics, part of Exact Sciences
Classification: Benign for RALGAPB-related condition. Last evaluated: 2019-11-21. Review status: no assertion criteria provided. Collection method: clinical testing. Allele origin: germline.
Comment: This variant is classified as benign based on ACMG/AMP sequence variant interpretation guidelines (Richards et al. 2015 PMID: 25741868, with internal and published modifications).